The following is an entry in ClinVar:

NM_052874.5(STX1B):c.845T>A (p.Ile282Asn)

Gene: STX1B (syntaxin 1B; minus strand). Cytogenetic location: 16p11.2.
Variant type: single nucleotide variant.
Coding change: c.845T>A on transcript NM_052874.5 (MANE Select); coding-DNA position 845, T replaced by A.
Protein change: p.Ile282Asn; replaces isoleucine 282 with asparagine.
Molecular consequence: missense variant.
Genome position (GRCh38, 1-based): chr16:30,992,843, A>T on the plus strand (T>A on the coding strand, the complement: STX1B is on the minus strand). VCF-style: chr16-30992843-A-T. GRCh37 (hg19) VCF-style: chr16-31004164-A-T.
Other names: short protein forms I282N.
Identifiers: ClinVar variation 664636 (VCV000664636.8), dbSNP rs763428520, ClinGen allele CA395645857.
Genomic context (GRCh38, chr16:30,992,843, plus strand): 5'-TGGGGGAAGGGTCTGGGAGAGAGAAGGGTGGGGGGGGCCTACAAGCCCAGCGTCCCCCCA[A>T]TGGATGACGCCAAGACCACCCCCAGCACCACACAGCAAATGATGATCATGATTTTCTTCT-3'
Protein context (NP_443106.1, residues 272-288): VVLGVVLASS[Ile282Asn]GGTLGL

ClinVar aggregate classification (germline): Uncertain significance (1 of 4 stars; one submission).

Conditions:
Generalized epilepsy with febrile seizures plus, type 9 (GEFSP9). Also called: GEFS+, TYPE 9. Identifiers: Orphanet 36387, MedGen C4015395, MONDO:0014517, OMIM 616172.

Submission:

Labcorp Genetics (formerly Invitae), Labcorp
Classification: Uncertain significance for Generalized epilepsy with febrile seizures plus, type 9. Last evaluated: 2021-06-15. Review status: criteria provided, single submitter. Criteria: Invitae Variant Classification Sherloc (09022015). Collection method: clinical testing. Allele origin: germline.
Comment: This sequence change replaces isoleucine with asparagine at codon 282 of the STX1B protein (p.Ile282Asn). The isoleucine residue is moderately conserved and there is a large physicochemical difference between isoleucine and asparagine. This variant is not present in population databases (ExAC no frequency). This variant has not been reported in the literature in individuals with STX1B-related disease. Algorithms developed to predict the effect of missense changes on protein structure and function (SIFT, PolyPhen-2, Align-GVGD) all suggest that this variant is likely to be disruptive, but these predictions have not been confirmed by published functional studies and their clinical significance is uncertain. In summary, the available evidence is currently insufficient to determine the role of this variant in disease. Therefore, it has been classified as a Variant of Uncertain Significance.